The following is an entry in ClinVar:

NM_017825.3(ADPRS):c.316C>T (p.Gln106Ter)

Gene: ADPRS (ADP-ribosylserine hydrolase; plus strand). Cytogenetic location: 1p34.3.
Variant type: single nucleotide variant.
Coding change: c.316C>T on transcript NM_017825.3 (MANE Select); coding-DNA position 316, C replaced by T.
Protein change: p.Gln106Ter; replaces glutamine 106 with a stop codon.
Molecular consequence: nonsense.
Genome position (GRCh38, 1-based): chr1:36,091,625, C>T. VCF-style: chr1-36091625-C-T. GRCh37 (hg19) VCF-style: chr1-36557226-C-T.
Other names: short protein forms Q106*.
Identifiers: ClinVar variation 590299 (VCV000590299.4), dbSNP rs368433666, ClinGen allele CA764548.

ClinVar aggregate classification (germline): Pathogenic/Likely pathogenic. Review status: criteria provided, multiple submitters, no conflicts (2 of 4 stars). 3 submissions from 3 submitters: Pathogenic (1); Likely pathogenic (1). 1 of the submissions does not count toward it. Last evaluated 2026-01-30.

Conditions:
Neurodegeneration, childhood-onset, stress-induced, with variable ataxia and seizures. Identifiers: Orphanet 694922, MedGen C4748527, MONDO:0100095, OMIM 618170.

Submissions (3):

Dasa
Classification: Pathogenic for Neurodegeneration, childhood-onset, stress-induced, with variable ataxia and seizures. Last evaluated: 2026-01-30. Review status: criteria provided, single submitter. Criteria: DASA Assertion Criteria. Collection method: clinical testing. Allele origin: germline.
Comment: NM_017825.3(ADPRS):c.316C>T (p.Gln106*) is a nonsense variant in ADPRS predicted to introduce a premature termination codon and is predicted to result in an absent or altered protein product. Loss of function is an established disease mechanism for ADPRS-associated disorders. This variant has been reported in individuals with ADPRS-related disorders (PMID: 30100084). Also, this variant is rare in population databases. Based on the currently available evidence, this variant is classified as pathogenic.

Mendelics
Classification: Likely pathogenic for Neurodegeneration, childhood-onset, stress-induced, with variable ataxia and seizures. Last evaluated: 2019-05-28. Review status: criteria provided, single submitter. Criteria: Mendelics Assertion Criteria 2017. Collection method: clinical testing. Allele origin: unknown.

OMIM
Classification: Pathogenic for NEURODEGENERATION, CHILDHOOD-ONSET, STRESS-INDUCED, WITH VARIABLE ATAXIA AND SEIZURES. Last evaluated: 2018-11-08. Review status: no assertion criteria provided. Collection method: literature only. Allele origin: germline. Not counted in ClinVar's aggregate classification.

Literature cited by the submitters: PubMed 30100084 (cited by Dasa and OMIM).